The following is an entry in ClinVar:

ClinVar aggregate classification (germline): Pathogenic (1 of 4 stars; one submission).

Allele frequency attached by ClinVar (database versions not stated): gnomAD exomes below 0.00001.
gnomAD v4.1: 1 of 1,612,476 alleles (0.000062%); highest among the groups gnomAD compares: Non-Finnish European, 0.000085%; no homozygotes.

Submission:

Labcorp Genetics (formerly Invitae), Labcorp
Classification: Pathogenic. Last evaluated: 2024-01-25. Review status: criteria provided, single submitter. Criteria: Invitae Variant Classification Sherloc (09022015). Collection method: clinical testing. Allele origin: germline.
Comment: This sequence change creates a premature translational stop signal (p.Trp919*) in the ADAMTSL4 gene. It is expected to result in an absent or disrupted protein product. Loss-of-function variants in ADAMTSL4 are known to be pathogenic (PMID: 20564469, 28642162). This variant is not present in population databases (gnomAD no frequency). This variant has not been reported in the literature in individuals affected with ADAMTSL4-related conditions. For these reasons, this variant has been classified as Pathogenic.

Literature cited by the submitters: PubMed 20564469; PubMed 28642162.

NM_019032.6(ADAMTSL4):c.2756G>A (p.Trp919Ter)

Gene: ADAMTSL4 (ADAMTS like 4; plus strand). Cytogenetic location: 1q21.2.
Variant type: single nucleotide variant.
Coding change: c.2756G>A on transcript NM_019032.6 (MANE Select); coding-DNA position 2756, G replaced by A.
Protein change: p.Trp919Ter; replaces tryptophan 919 with a stop codon.
Molecular consequence: nonsense.
Genome position (GRCh38, 1-based): chr1:150,559,158, G>A. VCF-style: chr1-150559158-G-A. GRCh37 (hg19) VCF-style: chr1-150531634-G-A.
Other names: c.2639G>A, p.Trp880Ter (NM_001288607.2); c.2825G>A, p.Trp942Ter (NM_001288608.2); c.2756G>A, p.Trp919Ter (NM_001378596.1); short protein forms W880*, W919*, W942*.
Identifiers: ClinVar variation 2711261 (VCV002711261.3), dbSNP rs1438416713, ClinGen allele CA342316675.
Genomic context (GRCh38, chr1:150,559,158, plus strand): 5'-ACATGCGCGCCTGCAGCCTGGGGCCCTGTGAGAGAACTTGGCGCTGGTACACAGGGCCCT[G>A]GGGTGAGGTAAGCTGAGCGCCTGCTGAGAGCAGGAAGGGGGTGCCAGTCCCAGTGGGATT-3'